The following is an entry in ClinVar:

ClinVar aggregate classification (germline): Likely benign (1 of 4 stars; one submission).

gnomAD v4.1: 28 of 1,545,420 alleles (0.0018%); highest among the groups gnomAD compares: South Asian, 0.02%; no homozygotes.

Submission:

CeGaT Center for Human Genetics Tuebingen
Classification: Likely benign. Last evaluated: 2024-12-01. Review status: criteria provided, single submitter. Criteria: CeGaT Center For Human Genetics Tuebingen Variant Classification Criteria Version 2. Collection method: clinical testing. Allele origin: germline. Affected: yes. Observed: 1 variant allele.
Comment: PIEZO1: BP4, BP7

NM_001142864.4(PIEZO1):c.7029G>A (p.Glu2343=)

Gene: PIEZO1 (piezo type mechanosensitive ion channel component 1 (Er blood group); minus strand). Cytogenetic location: 16q24.3.
Variant type: single nucleotide variant.
Coding change: c.7029G>A on transcript NM_001142864.4 (MANE Select); coding-DNA position 7029, G replaced by A.
Protein change: p.Glu2343=; no amino-acid change (glutamic acid 2343 retained).
Molecular consequence: synonymous variant.
Genome position (GRCh38, 1-based): chr16:88,716,381, C>T on the plus strand (G>A on the coding strand, the complement: PIEZO1 is on the minus strand). VCF-style: chr16-88716381-C-T. GRCh37 (hg19) VCF-style: chr16-88782789-C-T.
Identifiers: ClinVar variation 3771670 (VCV003771670.13).
Genomic context (GRCh38, chr16:88,716,381, plus strand): 5'-GGCACAGCCCTCCTGCCCACCACCCGGGCCCTTCACTCACACAGACTGGTCCGAGGTGCC[C>T]TCGAGCAGGCTGGCCAGCTGCCGCCGTGCAGTGCTGTTGGGGGCCAGGGCCAGCATGTGC-3'
Protein context (NP_001136336.2, residues 2333-2353): TARRQLASLL[Glu2343=]GTSDQSVVIP